The following is an entry in ClinVar:

NM_017780.4(CHD7):c.3226_3227del (p.Lys1076fs)

Gene: CHD7 (chromodomain helicase DNA binding protein 7; plus strand). Cytogenetic location: 8q12.2.
Variant type: Deletion.
Coding change: c.3226_3227del on transcript NM_017780.4 (MANE Select); coding-DNA positions 3226 to 3227, 2 bases deleted (AA; older notation c.3226_3227delAA).
Protein change: p.Lys1076fs; shifts the reading frame from lysine 1076.
Molecular consequence: frameshift variant. On other transcripts: intron variant (1).
Genome position (GRCh38, 1-based): chr8:60,823,864-60,823,865, AA deleted. VCF-style (leftmost placement, unchanged base first): chr8-60823863-TAA-T. GRCh37 (hg19) VCF-style: chr8-61736422-TAA-T.
Other names: c.3226_3227del (LRG_176t1); c.1717-38365_1717-38364del (NM_001316690.1); short protein forms K1076fs.
Identifiers: ClinVar variation 424351 (VCV000424351.2), dbSNP rs1064796926, ClinGen allele CA16618661.

ClinVar aggregate classification (germline): Likely pathogenic (1 of 4 stars; one submission).

Submission:

GeneDx
Classification: Likely pathogenic. Last evaluated: 2017-03-14. Review status: criteria provided, single submitter. Criteria: GeneDx Variant Classification (06012015). Collection method: clinical testing. Allele origin: germline. Affected: yes.
Comment: The c.3226_3227delAA variant in the CHD7 gene has not been published as a pathogenic variant, nor has it been reported as a benign variant to our knowledge. It causes a frameshift starting with codon Lysine 1076, changes this amino acid to a Valine residue and creates a premature Stop codon at position 9 of the new reading frame, denoted p.Lys1076ValfsX9. This pathogenic variant is predicted to cause loss of normal protein function either through protein truncation or nonsense-mediated mRNA decay. The variant is not observed in large population cohorts (Lek et al., 2016; 1000 Genomes Consortium et al., 2015; Exome Variant Server). In summary, we consider this variant to be likely pathogenic.